The following is an entry in ClinVar:

NM_018297.4(NGLY1):c.1804T>C (p.Ser602Pro)

Gene: NGLY1 (N-glycanase 1; minus strand). Cytogenetic location: 3p24.2.
Variant type: single nucleotide variant.
Coding change: c.1804T>C on transcript NM_018297.4 (MANE Select); coding-DNA position 1804, T replaced by C.
Protein change: p.Ser602Pro; replaces serine 602 with proline.
Molecular consequence: missense variant. On other transcripts: synonymous variant (1).
Genome position (GRCh38, 1-based): chr3:25,719,621, A>G on the plus strand (T>C on the coding strand, the complement: NGLY1 is on the minus strand). VCF-style: chr3-25719621-A-G. GRCh37 (hg19) VCF-style: chr3-25761112-A-G.
Other names: c.1750T>C, p.Ser584Pro (NM_001145293.2); c.1678T>C, p.Ser560Pro (NM_001145294.2); c.1626T>C, p.Thr542= (NM_001145295.2); short protein forms S560P, S602P, S584P.
Identifiers: ClinVar variation 1439691 (VCV001439691.6), dbSNP rs112709918, ClinGen allele CA2289046.
Genomic context (GRCh38, chr3:25,719,621, plus strand): 5'-CTCCTCTGCTTAATTCTGCTTCCAAAATAACTTCAGTGGCACCAGAAAAATCAGCATAGG[A>G]GTGAAGACTGTTATCTGTTAGAGGGAAAAAAAAAATTAACATTTTGCTTTTGGTAATTTA-3'
Protein context (NP_060767.2, residues 592-612): VELTGDNSLH[Ser602Pro]YADFSGATEV

ClinVar aggregate classification (germline): Uncertain significance. Review status: criteria provided, multiple submitters, no conflicts (2 of 4 stars). 2 submissions from 2 submitters: Uncertain significance (2). Last evaluated 2022-10-14.

Conditions:
Congenital disorder of deglycosylation (CDDG). Identifiers: MedGen C3808991, MONDO:0031376.

Allele frequency attached by ClinVar (database versions not stated): ExAC 0.00007; gnomAD 0.00007 and 0.00008; gnomAD exomes 0.00007 and 0.00008; TOPMed 0.00008; ESP Exome Variant Server 0.00015.
gnomAD v4.1: 137 of 1,613,392 alleles (0.0085%); highest among the groups gnomAD compares: Middle Eastern, 0.017%; no homozygotes.

Submissions (2):

Labcorp Genetics (formerly Invitae), Labcorp
Classification: Uncertain significance for Congenital disorder of deglycosylation. Last evaluated: 2022-10-14. Review status: criteria provided, single submitter. Criteria: Invitae Variant Classification Sherloc (09022015). Collection method: clinical testing. Allele origin: germline.
Comment: This sequence change replaces serine, which is neutral and polar, with proline, which is neutral and non-polar, at codon 602 of the NGLY1 protein (p.Ser602Pro). This variant is present in population databases (rs112709918, gnomAD 0.01%). This variant has not been reported in the literature in individuals affected with NGLY1-related conditions. ClinVar contains an entry for this variant (Variation ID: 1439691). Advanced modeling of protein sequence and biophysical properties (such as structural, functional, and spatial information, amino acid conservation, physicochemical variation, residue mobility, and thermodynamic stability) performed at Invitae indicates that this missense variant is not expected to disrupt NGLY1 protein function. In summary, the available evidence is currently insufficient to determine the role of this variant in disease. Therefore, it has been classified as a Variant of Uncertain Significance.

GeneDx
Classification: Uncertain significance. Last evaluated: 2022-07-12. Review status: criteria provided, single submitter. Criteria: GeneDx Variant Classification Process June 2021. Collection method: clinical testing. Allele origin: germline. Affected: yes.
Comment: Not observed at significant frequency in large population cohorts (gnomAD); In silico analysis supports that this missense variant has a deleterious effect on protein structure/function; Has not been previously published as pathogenic or benign to our knowledge